The following is an entry in ClinVar:

ClinVar aggregate classification (germline): Pathogenic (1 of 4 stars; one submission).

Conditions:
Hereditary cancer-predisposing syndrome. Also called: Tumor predisposition; Hereditary Cancer Syndrome; Hereditary neoplastic syndrome; Neoplastic Syndromes, Hereditary. Identifiers: Orphanet 140162, MedGen C0027672, MeSH D009386, MONDO:0015356.

Submission:

Ambry Genetics
Classification: Pathogenic for Hereditary cancer-predisposing syndrome. Last evaluated: 2023-08-22. Review status: criteria provided, single submitter. Criteria: Ambry Variant Classification Scheme 2023. Collection method: clinical testing. Allele origin: germline.
Comment: The c.340_344delAGAAGinsC pathogenic mutation, located in coding exon 3 of the MUTYH gene, results from the deletion of 5 nucleotides and insertion of one nucleotide causing a translational frameshift with a predicted alternate stop codon (p.R114Hfs*31). This variant is considered to be rare based on population cohorts in the Genome Aggregation Database (gnomAD). This alteration is expected to result in loss of function by premature protein truncation or nonsense-mediated mRNA decay. As such, this alteration is interpreted as a disease-causing mutation.

NM_001048174.2(MUTYH):c.256_260delinsC (p.Arg86fs)

Gene: MUTYH (mutY DNA glycosylase; minus strand). Cytogenetic location: 1p34.1.
Variant type: Indel.
Coding change: c.256_260delinsC on transcript NM_001048174.2 (MANE Select); coding-DNA positions 256 to 260, AGAAG replaced by C.
Protein change: p.Arg86fs; shifts the reading frame from arginine 86.
Molecular consequence: frameshift variant. On other transcripts: 5 prime UTR variant (6), non-coding transcript variant (7).
Genome position (GRCh38, 1-based): chr1:45,333,417-45,333,421, CTTCT replaced by G on the plus strand (AGAAG replaced by C on the coding strand, the reverse complement: MUTYH is on the minus strand). VCF-style: chr1-45333417-CTTCT-G. GRCh37 (hg19) VCF-style: chr1-45799089-CTTCT-G.
Other names: c.256_260delinsC, p.Arg86fs (NM_001048171.2, NM_001048173.2, NM_001293195.2 and 6 more transcripts); c.259_263delinsC, p.Arg87fs (NM_001048172.2, NM_001407071.1, NM_001407078.1 and 2 more transcripts); c.340_344delinsC, p.Arg114fs (NM_001128425.2); c.301_305delinsC, p.Arg101fs (NM_001293190.2); c.289_293delinsC, p.Arg97fs (NM_001293191.2, NM_001407077.1); c.-21_-17delinsC (NM_001293192.2, NM_001293196.2, NM_001407091.1); c.-16_-12delinsC (NM_001350650.2, NM_001350651.2, NM_001407082.1); c.331_335delinsC, p.Arg111fs (NM_001407069.1, NM_012222.3); and 3 more; short protein forms R97fs, R86fs, R87fs, R100fs, R101fs, R58fs, R114fs, R111fs.
Identifiers: ClinVar variation 2587451 (VCV002587451.2), dbSNP rs2524260307, ClinGen allele CA2582341919.